The following is an entry in ClinVar:

ClinVar aggregate classification (germline): Conflicting classifications of pathogenicity. Review status: criteria provided, conflicting classifications (1 of 4 stars). 3 submissions from 3 submitters: Uncertain significance (2); Likely benign (1). Last evaluated 2025-07-22.

Conditions:
Bethlem myopathy 1A. Also called: Bethlem Muscular Dystrophy; MYOPATHY, BENIGN CONGENITAL, WITH CONTRACTURES; Bethlem myopathy 1. Identifiers: Orphanet 610, MedGen CN029274, MONDO:0024530, OMIM 158810.
Collagen 6-related myopathy. Identifiers: MedGen CN117976, MONDO:0100225.

Allele frequency attached by ClinVar (database versions not stated): ESP Exome Variant Server 0.00008.
gnomAD v4.1: 7 of 1,612,224 alleles (0.00043%); highest among the groups gnomAD compares: Non-Finnish European, 0.00051%; no homozygotes.

Submissions (3):

Mayo Clinic Laboratories, Mayo Clinic
Classification: Uncertain significance. Last evaluated: 2025-07-22. Review status: criteria provided, single submitter. Criteria: ACMG Guidelines, 2015. Collection method: clinical testing. Allele origin: germline. Observed: 1 variant allele.
Comment: BP4

Labcorp Genetics (formerly Invitae), Labcorp
Classification: Likely benign for Bethlem myopathy 1A. Last evaluated: 2023-07-17. Review status: criteria provided, single submitter. Criteria: Invitae Variant Classification Sherloc (09022015). Collection method: clinical testing. Allele origin: germline.

Department of Pathology and Laboratory Medicine, Sinai Health System
Classification: Uncertain significance for collagen 6-related myopathy. Last evaluated: 2021-10-26. Review status: criteria provided, single submitter. Criteria: ACMG Guidelines, 2015. Collection method: research. Allele origin: germline.

NM_001848.3(COL6A1):c.1960G>C (p.Glu654Gln)

Gene: COL6A1 (collagen type VI alpha 1 chain; plus strand). Cytogenetic location: 21q22.3.
Variant type: single nucleotide variant.
Coding change: c.1960G>C on transcript NM_001848.3 (MANE Select); coding-DNA position 1960, G replaced by C.
Protein change: p.Glu654Gln; replaces glutamic acid 654 with glutamine.
Molecular consequence: missense variant.
Genome position (GRCh38, 1-based): chr21:46,001,964, G>C. VCF-style: chr21-46001964-G-C. GRCh37 (hg19) VCF-style: chr21-47421878-G-C.
Other names: p.Glu654Gln; short protein forms E654Q.
Identifiers: ClinVar variation 1055222 (VCV001055222.11), dbSNP rs375318905, ClinGen allele CA10070702.